The following is an entry in ClinVar:

NM_005188.4(CBL):c.2201T>C (p.Met734Thr)

Gene: CBL (Cbl proto-oncogene; plus strand). Cytogenetic location: 11q23.3.
Variant type: single nucleotide variant.
Coding change: c.2201T>C on transcript NM_005188.4 (MANE Select); coding-DNA position 2201, T replaced by C.
Protein change: p.Met734Thr; replaces methionine 734 with threonine.
Molecular consequence: missense variant.
Genome position (GRCh38, 1-based): chr11:119,297,431, T>C. VCF-style: chr11-119297431-T-C. GRCh37 (hg19) VCF-style: chr11-119168141-T-C.
Other names: short protein forms M734T.
Identifiers: ClinVar variation 2819460 (VCV002819460.3), dbSNP rs2496971960, ClinGen allele CA382928310.

ClinVar aggregate classification (germline): Uncertain significance (1 of 4 stars; one submission).

Conditions:
RASopathy. Also called: Noonan spectrum disorder; rasopathies. Identifiers: Orphanet 536391, MedGen C5555857, MONDO:0021060.

Allele frequency attached by ClinVar (database versions not stated): gnomAD exomes below 0.00001.
gnomAD v4.1: 2 of 1,613,872 alleles (0.00012%); highest among the groups gnomAD compares: Non-Finnish European, 0.00017%; no homozygotes.

Submission:

Labcorp Genetics (formerly Invitae), Labcorp
Classification: Uncertain significance for RASopathy. Last evaluated: 2023-06-04. Review status: criteria provided, single submitter. Criteria: Invitae Variant Classification Sherloc (09022015). Collection method: clinical testing. Allele origin: germline.
Comment: Advanced modeling of protein sequence and biophysical properties (such as structural, functional, and spatial information, amino acid conservation, physicochemical variation, residue mobility, and thermodynamic stability) performed at Invitae indicates that this missense variant is not expected to disrupt CBL protein function. This variant has not been reported in the literature in individuals affected with CBL-related conditions. This variant is not present in population databases (gnomAD no frequency). This sequence change replaces methionine, which is neutral and non-polar, with threonine, which is neutral and polar, at codon 734 of the CBL protein (p.Met734Thr). In summary, the available evidence is currently insufficient to determine the role of this variant in disease. Therefore, it has been classified as a Variant of Uncertain Significance.